The following is an entry in ClinVar:

ClinVar aggregate classification (germline): Uncertain significance (1 of 4 stars; one submission).

Allele frequency attached by ClinVar (database versions not stated): ExAC 0.00004; TOPMed 0.00006.
gnomAD v4.1: 35 of 1,613,204 alleles (0.0022%); highest among the groups gnomAD compares: Admixed American, 0.023%; no homozygotes.

Submission:

Labcorp Genetics (formerly Invitae), Labcorp
Classification: Uncertain significance. Last evaluated: 2025-12-02. Review status: criteria provided, single submitter. Criteria: Invitae Variant Classification Sherloc (09022015). Collection method: clinical testing. Allele origin: germline.
Comment: This sequence change replaces arginine, which is basic and polar, with glutamine, which is neutral and polar, at codon 654 of the DLL4 protein (p.Arg654Gln). This variant is present in population databases (rs762115737, gnomAD 0.03%), and has an allele count higher than expected for a pathogenic variant. This variant has not been reported in the literature in individuals affected with DLL4-related conditions. ClinVar contains an entry for this variant (Variation ID: 1989122). Invitae Evidence Modeling of protein sequence and biophysical properties (such as structural, functional, and spatial information, amino acid conservation, physicochemical variation, residue mobility, and thermodynamic stability) indicates that this missense variant is not expected to disrupt DLL4 protein function with a negative predictive value of 80%. In summary, the available evidence is currently insufficient to determine the role of this variant in disease. Therefore, it has been classified as a Variant of Uncertain Significance.

NM_019074.4(DLL4):c.1961G>A (p.Arg654Gln)

Gene: DLL4 (delta like canonical Notch ligand 4; plus strand). Cytogenetic location: 15q15.1.
Variant type: single nucleotide variant.
Coding change: c.1961G>A on transcript NM_019074.4 (MANE Select); coding-DNA position 1961, G replaced by A.
Protein change: p.Arg654Gln; replaces arginine 654 with glutamine.
Molecular consequence: missense variant.
Genome position (GRCh38, 1-based): chr15:40,937,435, G>A. VCF-style: chr15-40937435-G-A. GRCh37 (hg19) VCF-style: chr15-41229633-G-A.
Other names: short protein forms R654Q.
Identifiers: ClinVar variation 1989122 (VCV001989122.4), dbSNP rs762115737, ClinGen allele CA7488057.